The following is an entry in ClinVar:

NM_001165963.4(SCN1A):c.1029-7C>G

Gene: SCN1A (sodium voltage-gated channel alpha subunit 1; minus strand). Cytogenetic location: 2q24.3.
Variant type: single nucleotide variant.
Coding change: c.1029-7C>G on transcript NM_001165963.4 (MANE Select); 7 bases into the intron before coding-DNA position 1029, C replaced by G.
Molecular consequence: intron variant.
Genome position (GRCh38, 1-based): chr2:166,047,775, G>C on the plus strand (C>G on the coding strand, the complement: SCN1A is on the minus strand). VCF-style: chr2-166047775-G-C. GRCh37 (hg19) VCF-style: chr2-166904285-G-C.
Other names: c.1029-7C>G (NM_001353949.2, NM_001353958.2, NM_001353950.2 and 10 more transcripts); c.-1397-7C>G (NM_001353961.2).
Identifiers: ClinVar variation 2103042 (VCV002103042.5), dbSNP rs1698033637, ClinGen allele CA2580064402.
Genomic context (GRCh38, chr2:166,047,775, plus strand): 5'-CCATAATTGGGATTTCTACCAGCTTTCACACACATATATCCCTCTGGACATTGGCTGCAA[G>C]TGGGGTAAAAGAAAGTATTACAAGTCGTTCTGCTGCCTTTTTACTCTGATACTATGCTAT-3'

ClinVar aggregate classification (germline): Conflicting classifications of pathogenicity. Review status: criteria provided, conflicting classifications (1 of 4 stars). 2 submissions from 2 submitters: Likely pathogenic (1); Uncertain significance (1). Last evaluated 2024-08-09.

Conditions:
Early-infantile DEE. Also called: Early infantile epileptic encephalopathy; Early infantile epileptic encephalopathy with suppression bursts; Ohtahara syndrome. Identifiers: Orphanet 1934, MedGen C0393706, MONDO:0800491.

Submissions (2):

GeneDx
Classification: Likely pathogenic. Last evaluated: 2024-08-09. Review status: criteria provided, single submitter. Criteria: GeneDx Variant Classification Process June 2021. Collection method: clinical testing. Allele origin: germline. Affected: yes.
Comment: Not observed at significant frequency in large population cohorts (gnomAD); In silico analysis supports a deleterious effect on splicing; Has not been previously published as pathogenic or benign to our knowledge

Labcorp Genetics (formerly Invitae), Labcorp
Classification: Uncertain significance for Early-infantile DEE. Last evaluated: 2022-02-24. Review status: criteria provided, single submitter. Criteria: Invitae Variant Classification Sherloc (09022015). Collection method: clinical testing. Allele origin: germline.
Comment: This sequence change falls in intron 7 of the SCN1A gene. It does not directly change the encoded amino acid sequence of the SCN1A protein. In summary, the available evidence is currently insufficient to determine the role of this variant in disease. Therefore, it has been classified as a Variant of Uncertain Significance. Algorithms developed to predict the effect of sequence changes on RNA splicing suggest that this variant may disrupt the consensus splice site. This variant has not been reported in the literature in individuals affected with SCN1A-related conditions. This variant is not present in population databases (gnomAD no frequency).